The following is an entry in ClinVar:

ClinVar aggregate classification (germline): Uncertain significance. Review status: criteria provided, multiple submitters, no conflicts (2 of 4 stars). 2 submissions from 2 submitters: Uncertain significance (2). Last evaluated 2024-07-02.

Conditions:
Dyskeratosis congenita, autosomal dominant 2. Identifiers: MedGen C3151443, MONDO:0013521, OMIM 613989.
Idiopathic Pulmonary Fibrosis. Also called: Idiopathic fibrosing alveolitis, chronic form; idiopathic fibrosing alveolitis. Identifiers: Orphanet 2032, MedGen C1800706, MeSH D054990, MONDO:0800504.
Dyskeratosis congenita. Identifiers: Orphanet 1775, MedGen C0265965, MONDO:0015780.

Allele frequency attached by ClinVar (database versions not stated): gnomAD exomes 0.00002.
gnomAD v4.1: 32 of 1,594,218 alleles (0.002%); highest among the groups gnomAD compares: Non-Finnish European, 0.0026%; no homozygotes.

Submissions (2):

Ambry Genetics
Classification: Uncertain significance for Dyskeratosis congenita. Last evaluated: 2024-07-02. Review status: criteria provided, single submitter. Criteria: Ambry Variant Classification Scheme 2023. Collection method: clinical testing. Allele origin: germline.
Comment: The p.W203C variant (also known as c.609G>C), located in coding exon 2 of the TERT gene, results from a G to C substitution at nucleotide position 609. The tryptophan at codon 203 is replaced by cysteine, an amino acid with highly dissimilar properties. This amino acid position is conserved. In addition, the in silico prediction for this alteration is inconclusive. Based on the available evidence, the clinical significance of this variant remains unclear.

Labcorp Genetics (formerly Invitae), Labcorp
Classification: Uncertain significance for Dyskeratosis congenita, autosomal dominant 2; Idiopathic Pulmonary Fibrosis. Last evaluated: 2023-02-08. Review status: criteria provided, single submitter. Criteria: Invitae Variant Classification Sherloc (09022015). Collection method: clinical testing. Allele origin: germline.
Comment: In summary, the available evidence is currently insufficient to determine the role of this variant in disease. Therefore, it has been classified as a Variant of Uncertain Significance. Advanced modeling of protein sequence and biophysical properties (such as structural, functional, and spatial information, amino acid conservation, physicochemical variation, residue mobility, and thermodynamic stability) performed at Invitae indicates that this missense variant is expected to disrupt TERT protein function. ClinVar contains an entry for this variant (Variation ID: 577647). This variant has not been reported in the literature in individuals affected with TERT-related conditions. This variant is not present in population databases (gnomAD no frequency). This sequence change replaces tryptophan, which is neutral and slightly polar, with cysteine, which is neutral and slightly polar, at codon 203 of the TERT protein (p.Trp203Cys).

NM_198253.3(TERT):c.609G>C (p.Trp203Cys)

Gene: TERT (telomerase reverse transcriptase; minus strand). Cytogenetic location: 5p15.33.
Variant type: single nucleotide variant.
Coding change: c.609G>C on transcript NM_198253.3 (MANE Select); coding-DNA position 609, G replaced by C.
Protein change: p.Trp203Cys; replaces tryptophan 203 with cysteine.
Molecular consequence: missense variant. On other transcripts: non-coding transcript variant (2).
Genome position (GRCh38, 1-based): chr5:1,294,277, C>G on the plus strand (G>C on the coding strand, the complement: TERT is on the minus strand). VCF-style: chr5-1294277-C-G. GRCh37 (hg19) VCF-style: chr5-1294392-C-G.
Other names: c.609G>C, p.Trp203Cys (NM_001193376.3); short protein forms W203C.
Identifiers: ClinVar variation 577647 (VCV000577647.10), dbSNP rs1561214494, ClinGen allele CA359057188.